The following is an entry in ClinVar:

ClinVar aggregate classification (germline): Uncertain significance (1 of 4 stars; one submission).

gnomAD v4.1: 2 of 1,614,210 alleles (0.00012%); highest among the groups gnomAD compares: Non-Finnish European, 0.00017%; no homozygotes.

Submission:

Labcorp Genetics (formerly Invitae), Labcorp
Classification: Uncertain significance. Last evaluated: 2025-05-28. Review status: criteria provided, single submitter. Criteria: Invitae Variant Classification Sherloc (09022015). Collection method: clinical testing. Allele origin: germline.
Comment: This sequence change replaces aspartic acid, which is acidic and polar, with glutamic acid, which is acidic and polar, at codon 498 of the MBD4 protein (p.Asp498Glu). This variant is not present in population databases (gnomAD no frequency). This variant has not been reported in the literature in individuals affected with MBD4-related conditions. An algorithm developed to predict the effect of missense changes on protein structure and function outputs the following: PolyPhen-2: "Benign". The glutamic acid amino acid residue is found in multiple mammalian species, which suggests that this missense change does not adversely affect protein function. In summary, the available evidence is currently insufficient to determine the role of this variant in disease. Therefore, it has been classified as a Variant of Uncertain Significance.

NM_001276270.2(MBD4):c.1476T>G (p.Asp492Glu)

Gene: MBD4 (methyl-CpG binding domain 4, DNA glycosylase; minus strand). Cytogenetic location: 3q21.3.
Variant type: single nucleotide variant.
Coding change: c.1476T>G on transcript NM_001276270.2 (MANE Select); coding-DNA position 1476, T replaced by G.
Protein change: p.Asp492Glu; replaces aspartic acid 492 with glutamic acid.
Molecular consequence: missense variant.
Genome position (GRCh38, 1-based): chr3:129,433,165, A>C on the plus strand (T>G on the coding strand, the complement: MBD4 is on the minus strand). VCF-style: chr3-129433165-A-C. GRCh37 (hg19) VCF-style: chr3-129152008-A-C.
Other names: c.1494T>G, p.Asp498Glu (NM_001276271.2, NM_001276272.2, NM_003925.3); c.540T>G, p.Asp180Glu (NM_001276273.2); short protein forms D180E, D492E, D498E.
Identifiers: ClinVar variation 4806100 (VCV004806100.1).